The following is an entry in ClinVar:

ClinVar aggregate classification (germline): Benign/Likely benign. Review status: criteria provided, multiple submitters, no conflicts (2 of 4 stars). 4 submissions from 4 submitters: Benign (1); Likely benign (3). Last evaluated 2025-02-06.

Conditions:
Hereditary cancer-predisposing syndrome. Also called: Hereditary neoplastic syndrome; Neoplastic Syndromes, Hereditary; Hereditary Cancer Syndrome; Tumor predisposition. Identifiers: Orphanet 140162, MedGen C0027672, MeSH D009386, MONDO:0015356.
POLD1-related polyposis and colorectal cancer syndrome (CRCS10). Also called: Colorectal cancer 10; Colorectal cancer, susceptibility to, 10; COLORECTAL CANCER, SUSCEPTIBILITY TO, ON CHROMOSOME 19q. Identifiers: Orphanet 220460, MedGen C2675481, MONDO:0012953, OMIM 612591.

Submissions (4):

Myriad Genetics, Inc.
Classification: Benign for POLD1-related polyposis and colorectal cancer syndrome. Last evaluated: 2025-02-06. Review status: criteria provided, single submitter. Criteria: Myriad Autosomal Dominant, Autosomal Recessive and X-Linked Classification Criteria (2023). Collection method: clinical testing. Allele origin: unknown.
Comment: This variant is considered benign. This variant is a silent/synonymous amino acid change and it is not expected to impact splicing.

CeGaT Center for Human Genetics Tuebingen
Classification: Likely benign. Last evaluated: 2024-08-01. Review status: criteria provided, single submitter. Criteria: CeGaT Center For Human Genetics Tuebingen Variant Classification Criteria Version 2. Collection method: clinical testing. Allele origin: germline. Affected: yes. Observed: 1 variant allele.
Comment: POLD1: PM2:Supporting, BP4, BP7

Labcorp Genetics (formerly Invitae), Labcorp
Classification: Likely benign for POLD1-related polyposis and colorectal cancer syndrome. Last evaluated: 2024-05-04. Review status: criteria provided, single submitter. Criteria: Invitae Variant Classification Sherloc (09022015). Collection method: clinical testing. Allele origin: germline.

Ambry Genetics
Classification: Likely benign for Hereditary cancer-predisposing syndrome. Last evaluated: 2016-07-12. Review status: criteria provided, single submitter. Criteria: Ambry Variant Classification Scheme 2023. Collection method: clinical testing. Allele origin: germline.

NM_002691.4(POLD1):c.1299C>T (p.Asp433=)

Gene: POLD1 (DNA polymerase delta 1, catalytic subunit; plus strand). Cytogenetic location: 19q13.33.
Variant type: single nucleotide variant.
Coding change: c.1299C>T on transcript NM_002691.4 (MANE Select); coding-DNA position 1299, C replaced by T.
Protein change: p.Asp433=; no amino-acid change (aspartic acid 433 retained).
Molecular consequence: synonymous variant. On other transcripts: non-coding transcript variant (1).
Genome position (GRCh38, 1-based): chr19:50,406,238, C>T. VCF-style: chr19-50406238-C-T. GRCh37 (hg19) VCF-style: chr19-50909495-C-T.
Other names: c.1299C>T, p.Asp433= (NM_001256849.1, NM_001308632.1).
Identifiers: ClinVar variation 486946 (VCV000486946.30), dbSNP rs1555791106, ClinGen allele CA508304640.